The following is an entry in ClinVar:

ClinVar aggregate classification (germline): Likely benign. Review status: criteria provided, single submitter (1 of 4 stars). 4 submissions from 4 submitters: Likely benign (1). 3 of the submissions do not count toward it. Last evaluated 2024-11-04.

Conditions:
TRPM1-related disorder. Also called: TRPM1-related condition.

Allele frequency attached by ClinVar (database versions not stated): ExAC 0.00028; 1000 Genomes Project 0.00040; TOPMed 0.00156; gnomAD exomes 0.00148 and 0.00238; 1000 Genomes Project 30x 0.00062; gnomAD 0.00142 and 0.00145.
gnomAD v4.1: 3,484 of 1,535,514 alleles (0.23%); highest among the groups gnomAD compares: Non-Finnish European, 0.28%; 4 homozygotes.

Submissions (4):

Blueprint Genetics
Classification: Likely benign. Last evaluated: 2024-11-04. Review status: criteria provided, single submitter. Criteria: ACMG Guidelines, 2015. Collection method: clinical testing. Allele origin: germline.

PreventionGenetics, part of Exact Sciences
Classification: Likely benign for TRPM1-related condition. Last evaluated: 2019-07-24. Review status: no assertion criteria provided. Collection method: clinical testing. Allele origin: germline. Not counted in ClinVar's aggregate classification.
Comment: This variant is classified as likely benign based on ACMG/AMP sequence variant interpretation guidelines (Richards et al. 2015 PMID: 25741868, with internal and published modifications).

Clinical Genetics DNA and cytogenetics Diagnostics Lab, Erasmus MC, Erasmus Medical Center
Classification: Likely benign. Review status: no assertion criteria provided. Collection method: clinical testing. Allele origin: germline. Affected: yes. Study: VKGL Data-share Consensus. Not counted in ClinVar's aggregate classification.

Clinical Genetics, Academic Medical Center
Classification: Benign. Review status: no assertion criteria provided. Collection method: clinical testing. Allele origin: germline. Affected: yes. Study: VKGL Data-share Consensus. Not counted in ClinVar's aggregate classification.

NM_001252020.2(TRPM1):c.27C>T (p.Leu9=)

Gene: TRPM1 (transient receptor potential cation channel subfamily M member 1; minus strand). Cytogenetic location: 15q13.3.
Variant type: single nucleotide variant.
Coding change: c.27C>T on transcript NM_001252020.2; coding-DNA position 27, C replaced by T.
Protein change: p.Leu9=; no amino-acid change (leucine 9 retained).
Molecular consequence: synonymous variant.
Genome position (GRCh38, 1-based): chr15:31,160,933, G>A on the plus strand (C>T on the coding strand, the complement: TRPM1 is on the minus strand). VCF-style: chr15-31160933-G-A. GRCh37 (hg19) VCF-style: chr15-31453136-G-A.
Identifiers: ClinVar variation 1284820 (VCV001284820.8), dbSNP rs367857294, ClinGen allele CA7453169.